The following is an entry in ClinVar:

NM_033419.5(PGAP3):c.482C>T (p.Thr161Ile)

Gene: PGAP3 (post-GPI attachment to proteins phospholipase 3; minus strand). Cytogenetic location: 17q12.
Variant type: single nucleotide variant.
Coding change: c.482C>T on transcript NM_033419.5 (MANE Select); coding-DNA position 482, C replaced by T.
Protein change: p.Thr161Ile; replaces threonine 161 with isoleucine.
Molecular consequence: missense variant. On other transcripts: intron variant (3).
Genome position (GRCh38, 1-based): chr17:39,674,630, G>A on the plus strand (C>T on the coding strand, the complement: PGAP3 is on the minus strand). VCF-style: chr17-39674630-G-A. GRCh37 (hg19) VCF-style: chr17-37830883-G-A.
Other names: c.329C>T, p.Thr110Ile (NM_001291726.2); c.482C>T, p.Thr161Ile (NM_001291730.2); c.433-1764C>T (NM_001291733.2); c.433-576C>T (NM_001291732.2, NM_001291728.2); c.482C>T (NM_033419.3); short protein forms T110I, T161I.
Identifiers: ClinVar variation 2126345 (VCV002126345.4), dbSNP rs2543768088, ClinGen allele CA399322123.

ClinVar aggregate classification (germline): Uncertain significance. Review status: criteria provided, multiple submitters, no conflicts (2 of 4 stars). 2 submissions from 2 submitters: Uncertain significance (2). Last evaluated 2025-03-26.

Conditions:
Inborn genetic diseases. Identifiers: MedGen C0950123, MeSH D030342.

Submissions (2):

Ambry Genetics
Classification: Uncertain significance for Inborn genetic diseases. Last evaluated: 2025-03-26. Review status: criteria provided, single submitter. Criteria: Ambry Variant Classification Scheme 2023. Collection method: clinical testing. Allele origin: germline.

Labcorp Genetics (formerly Invitae), Labcorp
Classification: Uncertain significance. Last evaluated: 2024-10-28. Review status: criteria provided, single submitter. Criteria: Invitae Variant Classification Sherloc (09022015). Collection method: clinical testing. Allele origin: germline.
Comment: This sequence change replaces threonine, which is neutral and polar, with isoleucine, which is neutral and non-polar, at codon 161 of the PGAP3 protein (p.Thr161Ile). This variant is not present in population databases (gnomAD no frequency). This variant has not been reported in the literature in individuals affected with PGAP3-related conditions. ClinVar contains an entry for this variant (Variation ID: 2126345). Invitae Evidence Modeling of protein sequence and biophysical properties (such as structural, functional, and spatial information, amino acid conservation, physicochemical variation, residue mobility, and thermodynamic stability) has been performed for this missense variant. However, the output from this modeling did not meet the statistical confidence thresholds required to predict the impact of this variant on PGAP3 protein function. In summary, the available evidence is currently insufficient to determine the role of this variant in disease. Therefore, it has been classified as a Variant of Uncertain Significance.